The following is an entry in ClinVar:

NM_001396956.1(GOLGA6L22):c.231C>T (p.Ser77=)

Gene: GOLGA6L22 (golgin A6 family like 22; plus strand). Cytogenetic location: 15q11.2.
Variant type: single nucleotide variant.
Coding change: c.231C>T on transcript NM_001396956.1 (MANE Select); coding-DNA position 231, C replaced by T.
Protein change: p.Ser77=; no amino-acid change (serine 77 retained).
Molecular consequence: synonymous variant.
Genome position (GRCh38, 1-based): chr15:22,460,870, C>T. VCF-style: chr15-22460870-C-T. GRCh37 (hg19) VCF-style: chr15-23412226-G-A.
Other names: c.231C>T, p.Ser77= (NM_001396957.1).
Identifiers: ClinVar variation 2644966 (VCV002644966.23), dbSNP rs527945774, ClinGen allele CA7427566.
Genomic context (GRCh38, chr15:22,460,870, plus strand): 5'-CTTTCCACAGTTGACAGACCATCATCCCCAGACCAACCCTAGTGTTGGTACAGCAGCAAG[C>T]GACACCAAAAAGAAGAAAATAAATAATGGCACTAGCCCTGAGACAACCACTTCTGGTGGT-3'
Protein context (NP_001383885.1, residues 67-87): QTNPSVGTAA[Ser77=]DTKKKKINNG

ClinVar aggregate classification (germline): Likely benign (1 of 4 stars; one submission).

Allele frequency attached by ClinVar (database versions not stated): ExAC 0.00168; 1000 Genomes Project 0.00260; 1000 Genomes Project 30x 0.00265.

Submission:

CeGaT Center for Human Genetics Tuebingen
Classification: Likely benign. Last evaluated: 2023-01-01. Review status: criteria provided, single submitter. Criteria: CeGaT Center For Human Genetics Tuebingen Variant Classification Criteria Version 2. Collection method: clinical testing. Allele origin: germline. Affected: yes. Observed: 1 variant allele.
Comment: RP11-467N20.5: BP4, BP7, BS2